The following is an entry in ClinVar:

ClinVar aggregate classification (germline): Pathogenic (1 of 4 stars; one submission).

Conditions:
Inborn genetic diseases. Identifiers: MedGen C0950123, MeSH D030342.
Ocular cystinosis. Also called: Non-Nephropathic Cystinosis; Non-Nephropathic (Ocular) Cystinosis. Identifiers: Orphanet 213, Orphanet 411641, MedGen C2931013, MONDO:0009064, OMIM 219750.
Juvenile nephropathic cystinosis. Also called: Intermediate Cystinosis; CYSTINOSIS, LATE-ONSET JUVENILE OR ADOLESCENT NEPHROPATHIC TYPE; Later-Onset (Juvenile) Cystinosis. Identifiers: Orphanet 213, Orphanet 411634, MedGen C0268626, MONDO:0009066, OMIM 219900.

Submission:

Labcorp Genetics (formerly Invitae), Labcorp
Classification: Pathogenic for Inborn genetic diseases; Ocular cystinosis; Juvenile nephropathic cystinosis. Last evaluated: 2022-12-10. Review status: criteria provided, single submitter. Criteria: Invitae Variant Classification Sherloc (09022015). Collection method: clinical testing. Allele origin: germline.
Comment: This sequence change creates a premature translational stop signal (p.Gly229Valfs*62) in the CTNS gene. It is expected to result in an absent or disrupted protein product. Loss-of-function variants in CTNS are known to be pathogenic (PMID: 9537412, 27102039). This variant is not present in population databases (gnomAD no frequency). This variant has not been reported in the literature in individuals affected with CTNS-related conditions. For these reasons, this variant has been classified as Pathogenic.

Literature cited by the submitters: PubMed 9537412; PubMed 27102039.

NM_004937.3(CTNS):c.686_699del (p.Gly229fs)

Genes: CTNS (cystinosin, lysosomal cystine transporter; plus strand), CTNS-AS1 (CTNS antisense RNA 1; minus strand). Cytogenetic location: 17p13.2.
Variant type: Deletion.
Coding change: c.686_699del on transcript NM_004937.3 (MANE Select); coding-DNA positions 686 to 699, 14 bases deleted (GTGGCCAGCGCGTG).
Protein change: p.Gly229fs; shifts the reading frame from glycine 229.
Molecular consequence: frameshift variant.
Genome position (GRCh38, 1-based): chr17:3,658,009-3,658,022, GTGGCCAGCGCGTG deleted; deleting any 14 consecutive bases within chr17:3,658,008-3,658,022 gives the same sequence; the c. name uses the placement nearest the transcript's 3' end. VCF-style (leftmost placement, unchanged base first): chr17-3658007-CGGTGGCCAGCGCGT-C. GRCh37 (hg19) VCF-style: chr17-3561301-CGGTGGCCAGCGCGT-C.
Other names: c.686_699del, p.Gly229fs (NM_001031681.3, NM_001374492.1); c.245_258del, p.Gly82fs (NM_001374493.1, NM_001374494.1, NM_001374495.1 and 1 more transcripts); short protein forms G229fs, G82fs.
Identifiers: ClinVar variation 2942210 (VCV002942210.3), dbSNP rs2507775363, ClinGen allele CA2740095205.
Genomic context (GRCh38, chr17:3,658,007, plus strand): 5'-CTCAGCCCCGGCGTGGCCTCTGTGTGGGTCCACATCTCTGCCCTCCTCTCGCCCCCAGCG[CGGTGGCCAGCGCGT>C]GTCCTGGCCTGCCATCGGCTTCCTGGTGCTCGCGTGGCTCTTCGCATTTGTCACCATGAT-3'